The following is an entry in ClinVar:

ClinVar aggregate classification (germline): Uncertain significance (1 of 4 stars; one submission).

Conditions:
Combined immunodeficiency due to OX40 deficiency. Also called: OX40 DEFICIENCY; Immunodeficiency 16. Identifiers: Orphanet 431149, MedGen C3810053, MONDO:0014268, OMIM 615593.

Submission:

Labcorp Genetics (formerly Invitae), Labcorp
Classification: Uncertain significance for Combined immunodeficiency due to OX40 deficiency. Last evaluated: 2023-11-28. Review status: criteria provided, single submitter. Criteria: Invitae Variant Classification Sherloc (09022015). Collection method: clinical testing. Allele origin: unknown.
Comment: A copy number gain of the genomic region encompassing the full coding sequence of the TNFRSF4 gene has been identified. The boundaries of this event are unknown as they extend beyond the assayed region for this gene and therefore may encompass additional genes. As the precise location of this event is unknown, it may be in tandem or it may be located elsewhere in the genome. This variant has not been reported in the literature in individuals affected with TNFRSF4-related conditions. Experimental studies and prediction algorithms are not available or were not evaluated, and the functional significance of this variant is currently unknown. In summary, the available evidence is currently insufficient to determine the role of this variant in disease. Therefore, it has been classified as a Variant of Uncertain Significance.

NC_000001.10:g.(?_955553)_(1168648_?)dup

Genes: C1orf159 (chromosome 1 open reading frame 159; minus strand), AGRN (agrin; plus strand), B3GALT6 (beta-1,3-galactosyltransferase 6; plus strand), MIR200A (microRNA 200a; plus strand), MIR200B (microRNA 200b; plus strand) and 6 more. Cytogenetic location: 1p36.33.
Variant type: Duplication.
Identifiers: ClinVar variation 3247835 (VCV003247835.1).